The following is an entry in ClinVar:

NM_198576.4(AGRN):c.5652-231C>A

Gene: AGRN (agrin; plus strand). Cytogenetic location: 1p36.33.
Variant type: single nucleotide variant.
Coding change: c.5652-231C>A on transcript NM_198576.4 (MANE Select); 231 bases into the intron before coding-DNA position 5652, C replaced by A.
Molecular consequence: intron variant.
Genome position (GRCh38, 1-based): chr1:1,053,522, C>A. VCF-style: chr1-1053522-C-A. GRCh37 (hg19) VCF-style: chr1-988902-C-A.
Other names: c.5720+29C>A (NM_001305275.2); c.5349-231C>A (NM_001364727.2).
Identifiers: ClinVar variation 1707049 (VCV001707049.2), dbSNP rs74223856, ClinGen allele CA510179.
Genomic context (GRCh38, chr1:1,053,522, plus strand): 5'-CCCGAAACTCTGGATTCCGGGGCCCTTCACAGGTGAGCACGTGGCAGCAGTGCCTGCAGA[C>A]CCCTGGCTGGCCCATCTGTCCTCCCGCCCGTCTCTCTGATCTCTCTCTGCCAGGCTGCCC-3'

ClinVar aggregate classification (germline): Likely benign (1 of 4 stars; one submission).

Allele frequency attached by ClinVar (database versions not stated): ExAC 0.00568; 1000 Genomes Project 30x 0.01093; 1000 Genomes Project 0.01218.
gnomAD v4.1: 9,152 of 1,528,996 alleles (0.6%); highest among the groups gnomAD compares: East Asian, 3.1%; 69 homozygotes.

Submission:

GeneDx
Classification: Likely benign. Last evaluated: 2021-05-18. Review status: criteria provided, single submitter. Criteria: GeneDx Variant Classification Process June 2021. Collection method: clinical testing. Allele origin: germline. Affected: yes.
Comment: See Variant Classification Assertion Criteria.